The following is an entry in ClinVar:

NM_016151.4(TAOK2):c.2776A>G (p.Ile926Val)

Gene: TAOK2 (TAO kinase 2; plus strand). Cytogenetic location: 16p11.2.
Variant type: single nucleotide variant.
Coding change: c.2776A>G on transcript NM_016151.4 (MANE Select); coding-DNA position 2776, A replaced by G.
Protein change: p.Ile926Val; replaces isoleucine 926 with valine.
Molecular consequence: missense variant. On other transcripts: intron variant (1).
Genome position (GRCh38, 1-based): chr16:29,987,048, A>G. VCF-style: chr16-29987048-A-G. GRCh37 (hg19) VCF-style: chr16-29998369-A-G.
Other names: c.2437A>G, p.Ile813Val (NM_001252043.2); c.2232+544A>G (NM_004783.4); short protein forms I926V, I813V.
Identifiers: ClinVar variation 3651708 (VCV003651708.2).

ClinVar aggregate classification (germline): Uncertain significance (1 of 4 stars; one submission).

gnomAD v4.1: 1 of 1,612,896 alleles (0.000062%); highest among the groups gnomAD compares: African/African-American, 0.0013%; no homozygotes.

Submission:

Labcorp Genetics (formerly Invitae), Labcorp
Classification: Uncertain significance. Last evaluated: 2024-05-08. Review status: criteria provided, single submitter. Criteria: Invitae Variant Classification Sherloc (09022015). Collection method: clinical testing. Allele origin: germline.
Comment: This sequence change replaces isoleucine, which is neutral and non-polar, with valine, which is neutral and non-polar, at codon 926 of the TAOK2 protein (p.Ile926Val). This variant is present in population databases (no rsID available, gnomAD 0.007%). This variant has not been reported in the literature in individuals affected with TAOK2-related conditions. An algorithm developed to predict the effect of missense changes on protein structure and function (PolyPhen-2) suggests that this variant is likely to be disruptive. In summary, the available evidence is currently insufficient to determine the role of this variant in disease. Therefore, it has been classified as a Variant of Uncertain Significance.